The following is an entry in ClinVar:

ClinVar aggregate classification (germline): Likely benign (1 of 4 stars; one submission).

Conditions:
Hereditary retinoblastoma. Identifiers: Orphanet 357027, MedGen C0751483, MONDO:0018160.

Submission:

Ramesar Group, Division of Human Genetics, Institute of Infectious Diseases and Molecular Medicine, UCT/MRC Genomic and Precision Medicine Research Unit, University of Cape Town
Classification: Likely benign for Hereditary retinoblastoma. Last evaluated: 2025-09-17. Review status: criteria provided, single submitter. Criteria: ACMG Guidelines, 2015. Collection method: research. Allele origin: germline. Affected: no.
Comment: BP5 - Variant found in a patient with a different retinal disease; RB1 is not associated with the phenotype BP7 - A non-coding variant with no predicted effect on splicing (SpliceAI scores are negligible)

NM_000321.3(RB1):c.1421+26_1421+27insAT

Gene: RB1 (RB transcriptional corepressor 1; plus strand). Cytogenetic location: 13q14.2.
Variant type: Insertion.
Coding change: c.1421+26_1421+27insAT on transcript NM_000321.3 (MANE Select); bases 26 to 27 of the intron after coding-DNA position 1421, AT inserted.
Molecular consequence: intron variant.
Genome position: GRCh38 VCF-style: chr13-48380110-A-AAT. GRCh37 (hg19) VCF-style: chr13-48954246-A-AAT.
Other names: c.1421+26_1421+27insAT (NM_001407165.1, NM_001407166.1).
Identifiers: ClinVar variation 4759366 (VCV004759366.1).